The following is an entry in ClinVar:

NC_000007.13:g.(?_56079455)_(56082884_?)del

Gene: PSPH (phosphoserine phosphatase; minus strand). Cytogenetic location: 7p11.2.
Variant type: Deletion.
Identifiers: ClinVar variation 1411251 (VCV001411251.6).

ClinVar aggregate classification (germline): Uncertain significance (1 of 4 stars; one submission).

Conditions:
Deficiency of phosphoserine phosphatase (PSPHD). Also called: Phosphoserine phosphatase deficiency; PSPH deficiency. Identifiers: Orphanet 79350, MedGen C1291463, MONDO:0013531, OMIM 614023.

Submission:

Labcorp Genetics (formerly Invitae), Labcorp
Classification: Uncertain significance for Deficiency of phosphoserine phosphatase. Last evaluated: 2021-08-12. Review status: criteria provided, single submitter. Criteria: Invitae Variant Classification Sherloc (09022015). Collection method: clinical testing. Allele origin: germline.
Comment: This variant is a gross deletion of the genomic region encompassing exon(s) 7-8 of the PSPH gene, which includes the termination codon. This deletion extends beyond the assayed region for this gene and therefore may encompass additional genes. While this deletion is not anticipated to lead to nonsense mediated decay, it is expected to alter mRNA translation or result in a truncated protein product. This variant has not been reported in the literature in individuals affected with PSPH-related conditions. In summary, the available evidence is currently insufficient to determine the role of this variant in disease. Therefore, it has been classified as a Variant of Uncertain Significance.